The following is an entry in ClinVar:

NM_138694.4(PKHD1):c.6782A>G (p.Asn2261Ser)

Gene: PKHD1 (PKHD1 ciliary IPT domain containing fibrocystin/polyductin; minus strand). Cytogenetic location: 6p12.2.
Variant type: single nucleotide variant.
Coding change: c.6782A>G on transcript NM_138694.4 (MANE Select); coding-DNA position 6782, A replaced by G.
Protein change: p.Asn2261Ser; replaces asparagine 2261 with serine.
Molecular consequence: missense variant.
Genome position (GRCh38, 1-based): chr6:51,906,241, T>C on the plus strand (A>G on the coding strand, the complement: PKHD1 is on the minus strand). VCF-style: chr6-51906241-T-C. GRCh37 (hg19) VCF-style: chr6-51771039-T-C.
Other names: c.6782A>G, p.Asn2261Ser (NM_170724.3); short protein forms N2261S.
Identifiers: ClinVar variation 496884 (VCV000496884.21), dbSNP rs146102132, ClinGen allele CA3852183.
Genomic context (GRCh38, chr6:51,906,241, plus strand): 5'-GAATGCAGAAATTCAACAAGCTTGTTTTACTTACCAACTAGCAGCGCATGACCTAAAATA[T>C]TGTAGAATACATTACTGTCCACCTTCAGGCCCAAGGTCCCGCACATGCTGAGGCCTCTAC-3'
Protein context (NP_619639.3, residues 2251-2271): GLKVDSNVFY[Asn2261Ser]ILGHALLVGT

ClinVar aggregate classification (germline): Conflicting classifications of pathogenicity. Review status: criteria provided, conflicting classifications (1 of 4 stars). 5 submissions from 5 submitters: Uncertain significance (3); Likely benign (1). 1 of the submissions does not count toward it. Last evaluated 2025-12-31.

Conditions:
PKHD1-related disorder. Also called: PKHD1-related condition.
Inborn genetic diseases. Identifiers: MedGen C0950123, MeSH D030342.
Autosomal recessive polycystic kidney disease (ARPKD). Also called: AR polycystic kidney disease. Identifiers: Orphanet 731, Orphanet 8378, MedGen C0085548, MeSH D017044, MONDO:0009889.

Allele frequency attached by ClinVar (database versions not stated): gnomAD exomes 0.00006 and 0.00018; ExAC 0.00020; ESP Exome Variant Server 0.00031; gnomAD 0.00045 and 0.00048; TOPMed 0.00059; 1000 Genomes Project 0.00060; 1000 Genomes Project 30x 0.00062.
gnomAD v4.1: 158 of 1,612,062 alleles (0.0098%); highest among the groups gnomAD compares: African/African-American, 0.17%; no homozygotes.

Submissions (5):

Labcorp Genetics (formerly Invitae), Labcorp
Classification: Likely benign for Autosomal recessive polycystic kidney disease. Last evaluated: 2025-12-31. Review status: criteria provided, single submitter. Criteria: Invitae Variant Classification Sherloc (09022015). Collection method: clinical testing. Allele origin: germline.

GeneDx
Classification: Uncertain significance. Last evaluated: 2025-12-01. Review status: criteria provided, single submitter. Criteria: GeneDx Variant Classification Process June 2021. Collection method: clinical testing. Allele origin: germline. Affected: yes.
Comment: In silico analysis supports that this missense variant has a deleterious effect on protein structure/function; Has not been previously published as pathogenic or benign to our knowledge

Ambry Genetics
Classification: Uncertain significance for Inborn genetic diseases. Last evaluated: 2023-02-27. Review status: criteria provided, single submitter. Criteria: Ambry Variant Classification Scheme 2023. Collection method: clinical testing. Allele origin: germline.

Eurofins Ntd Llc (ga)
Classification: Uncertain significance. Last evaluated: 2018-06-19. Review status: criteria provided, single submitter. Criteria: EGL ClinVar v180209 classification definitions. Collection method: clinical testing. Allele origin: germline. Observed: 6 variant alleles, 6 heterozygotes.

PreventionGenetics, part of Exact Sciences
Classification: Likely benign for PKHD1-related condition. Last evaluated: 2022-04-15. Review status: no assertion criteria provided. Collection method: clinical testing. Allele origin: germline. Not counted in ClinVar's aggregate classification.
Comment: This variant is classified as likely benign based on ACMG/AMP sequence variant interpretation guidelines (Richards et al. 2015 PMID: 25741868, with internal and published modifications).